The following is an entry in ClinVar:

NM_004360.5(CDH1):c.974T>C (p.Val325Ala)

Gene: CDH1 (cadherin 1; plus strand). Cytogenetic location: 16q22.1.
Variant type: single nucleotide variant.
Coding change: c.974T>C on transcript NM_004360.5 (MANE Select); coding-DNA position 974, T replaced by C.
Protein change: p.Val325Ala; replaces valine 325 with alanine.
Molecular consequence: missense variant. On other transcripts: 5 prime UTR variant (2).
Genome position (GRCh38, 1-based): chr16:68,811,825, T>C. VCF-style: chr16-68811825-T-C. GRCh37 (hg19) VCF-style: chr16-68845728-T-C.
Other names: c.974T>C, p.Val325Ala (NM_001317184.2); c.-642T>C (NM_001317185.2); c.-846T>C (NM_001317186.2); short protein forms V325A.
Identifiers: ClinVar variation 1401862 (VCV001401862.8), dbSNP rs2152132111, ClinGen allele CA396459841.

ClinVar aggregate classification (germline): Uncertain significance (1 of 4 stars; one submission).

Conditions:
Hereditary diffuse gastric adenocarcinoma (HDGC). Also called: DIFFUSE GASTRIC AND LOBULAR BREAST CANCER SYNDROME. Identifiers: Orphanet 26106, MedGen C1708349, MONDO:0007648, OMIM 137215.

Submission:

Labcorp Genetics (formerly Invitae), Labcorp
Classification: Uncertain significance for Hereditary diffuse gastric adenocarcinoma. Last evaluated: 2021-01-03. Review status: criteria provided, single submitter. Criteria: Invitae Variant Classification Sherloc (09022015). Collection method: clinical testing. Allele origin: germline.
Comment: In summary, the available evidence is currently insufficient to determine the role of this variant in disease. Therefore, it has been classified as a Variant of Uncertain Significance. Algorithms developed to predict the effect of missense changes on protein structure and function (SIFT, PolyPhen-2, Align-GVGD) all suggest that this variant is likely to be tolerated, but these predictions have not been confirmed by published functional studies and their clinical significance is uncertain. This variant has not been reported in the literature in individuals with CDH1-related conditions. This variant is not present in population databases (ExAC no frequency). This sequence change replaces valine with alanine at codon 325 of the CDH1 protein (p.Val325Ala). The valine residue is moderately conserved and there is a small physicochemical difference between valine and alanine.